The following is an entry in ClinVar:

NM_000264.5(PTCH1):c.1120G>T (p.Glu374Ter)

Gene: PTCH1 (patched 1; minus strand). Cytogenetic location: 9q22.32.
Variant type: single nucleotide variant.
Coding change: c.1120G>T on transcript NM_000264.5 (MANE Select); coding-DNA position 1120, G replaced by T.
Protein change: p.Glu374Ter; replaces glutamic acid 374 with a stop codon.
Molecular consequence: nonsense. On other transcripts: non-coding transcript variant (1).
Genome position (GRCh38, 1-based): chr9:95,479,095, C>A on the plus strand (G>T on the coding strand, the complement: PTCH1 is on the minus strand). VCF-style: chr9-95479095-C-A. GRCh37 (hg19) VCF-style: chr9-98241377-C-A.
Other names: c.922G>T, p.Glu308Ter (NM_001083602.3); c.1117G>T, p.Glu373Ter (NM_001083603.3); c.667G>T, p.Glu223Ter (NM_001083604.3, NM_001083605.3, NM_001083606.3 and 1 more transcripts); c.1120G>T, p.Glu374Ter (NM_001354918.2); short protein forms E308*, E223*, E373*, E374*.
Identifiers: ClinVar variation 1369323 (VCV001369323.8), dbSNP rs144323077, ClinGen allele CA374119423.
Genomic context (GRCh38, chr9:95,479,095, plus strand): 5'-CTGCCGCTTTGTCCTCGTTCCAGTTGATGTGTGAGACATACTCGTACCCCTTGAAGTGCT[C>A]GTACATTTGCTTGGGAGTCATTAACTGGAACATGGTCTGCAGGGCATGGGCGCTGCAGCA-3'

ClinVar aggregate classification (germline): Pathogenic (1 of 4 stars; one submission).

Conditions:
Gorlin syndrome. Also called: Basal cell nevus syndrome; Nevoid Basal Cell Carcinoma Syndrome. Identifiers: Orphanet 377, MedGen C0004779, MONDO:0007187.

Submission:

Labcorp Genetics (formerly Invitae), Labcorp
Classification: Pathogenic for Gorlin syndrome. Last evaluated: 2021-05-31. Review status: criteria provided, single submitter. Criteria: Invitae Variant Classification Sherloc (09022015). Collection method: clinical testing. Allele origin: germline.
Comment: For these reasons, this variant has been classified as Pathogenic. This variant has been observed in individual(s) with clinical features of basal cell nevus syndrome (Invitae). It has also been observed to segregate with disease in related individuals. This variant is not present in population databases (ExAC no frequency). This sequence change creates a premature translational stop signal (p.Glu374*) in the PTCH1 gene. It is expected to result in an absent or disrupted protein product. Loss-of-function variants in PTCH1 are known to be pathogenic (PMID: 16301862, 16419085).

Literature cited by the submitters: PubMed 16301862; PubMed 16419085.